The following is an entry in ClinVar:

ClinVar aggregate classification (germline): Pathogenic (1 of 4 stars; one submission).

Submission:

Labcorp Genetics (formerly Invitae), Labcorp
Classification: Pathogenic. Last evaluated: 2022-11-28. Review status: criteria provided, single submitter. Criteria: Invitae Variant Classification Sherloc (09022015). Collection method: clinical testing. Allele origin: unknown.
Comment: This variant is a gross deletion of the genomic region encompassing exon(s) 6-9 of the PHEX gene. This deletion is out-of-frame, and is expected to create a premature termination codon and result in an absent or disrupted protein product. Loss-of-function variants in PHEX are known to be pathogenic (PMID: 9097956, 9106524, 19219621). A similar copy number variant has been observed in individual(s) with clinical features of X-linked hypophosphatemia (PMID: 30682568). For these reasons, this variant has been classified as Pathogenic.

Literature cited by the submitters: PubMed 9097956; PubMed 9106524; PubMed 19219621; PubMed 30682568.

NC_000023.10:g.(?_22108527)_(22117289_?)del

Gene: PHEX (phosphate regulating endopeptidase X-linked; plus strand). Cytogenetic location: Xp22.11.
Variant type: Deletion.
Identifiers: ClinVar variation 3246055 (VCV003246055.1).